The following is an entry in ClinVar:

NM_001278116.2(L1CAM):c.247G>A (p.Gly83Ser)

Gene: L1CAM (L1 cell adhesion molecule; minus strand). Cytogenetic location: Xq28.
Variant type: single nucleotide variant.
Coding change: c.247G>A on transcript NM_001278116.2 (MANE Select); coding-DNA position 247, G replaced by A.
Protein change: p.Gly83Ser; replaces glycine 83 with serine.
Molecular consequence: missense variant.
Genome position (GRCh38, 1-based): chrX:153,872,305, C>T on the plus strand (G>A on the coding strand, the complement: L1CAM is on the minus strand). VCF-style: chrX-153872305-C-T. GRCh37 (hg19) VCF-style: chrX-153137760-C-T.
Other names: c.247G>A, p.Gly83Ser (NM_000425.5, NM_024003.3); c.232G>A, p.Gly78Ser (NM_001143963.2); short protein forms G78S, G83S.
Identifiers: ClinVar variation 2810217 (VCV002810217.3), dbSNP rs2521035725, ClinGen allele CA415138864.
Genomic context (GRCh38, chrX:153,872,305, plus strand): 5'-TGCTGTTGTTGCCCGTGATGGTGAAGGAGCCAGAGTGGGGCGACTGGTACACGGTCACAC[C>T]CAGCTCTTCCTTGGGTTTGAAGTGGACACCATCCCTCGTCCAGCGGAACCTGTGGGCGGA-3'
Protein context (NP_001265045.1, residues 73-93): GVHFKPKEEL[Gly83Ser]VTVYQSPHSG

ClinVar aggregate classification (germline): Uncertain significance (1 of 4 stars; one submission).

Conditions:
Spastic paraplegia. Identifiers: MedGen C0037772, HP:0001258.

Submission:

Labcorp Genetics (formerly Invitae), Labcorp
Classification: Uncertain significance for Spastic paraplegia. Last evaluated: 2022-12-05. Review status: criteria provided, single submitter. Criteria: Invitae Variant Classification Sherloc (09022015). Collection method: clinical testing. Allele origin: germline.
Comment: This sequence change replaces glycine, which is neutral and non-polar, with serine, which is neutral and polar, at codon 83 of the L1CAM protein (p.Gly83Ser). This variant is not present in population databases (gnomAD no frequency). This variant has not been reported in the literature in individuals affected with L1CAM-related conditions. Advanced modeling of protein sequence and biophysical properties (such as structural, functional, and spatial information, amino acid conservation, physicochemical variation, residue mobility, and thermodynamic stability) performed at Invitae indicates that this missense variant is not expected to disrupt L1CAM protein function. In summary, the available evidence is currently insufficient to determine the role of this variant in disease. Therefore, it has been classified as a Variant of Uncertain Significance.